The following is an entry in ClinVar:

NM_002693.3(POLG):c.1081A>G (p.Arg361Gly)

Gene: POLG (DNA polymerase gamma, catalytic subunit; minus strand). Cytogenetic location: 15q26.1.
Variant type: single nucleotide variant.
Coding change: c.1081A>G on transcript NM_002693.3 (MANE Select); coding-DNA position 1081, A replaced by G.
Protein change: p.Arg361Gly; replaces arginine 361 with glycine.
Molecular consequence: missense variant.
Genome position (GRCh38, 1-based): chr15:89,328,774, T>C on the plus strand (A>G on the coding strand, the complement: POLG is on the minus strand). VCF-style: chr15-89328774-T-C. GRCh37 (hg19) VCF-style: chr15-89872005-T-C.
Other names: c.1081A>G, p.Arg361Gly (NM_001126131.2); short protein forms R361G.
Identifiers: ClinVar variation 3721844 (VCV003721844.2).
Genomic context (GRCh38, chr15:89,328,774, plus strand): 5'-TGCCCTTCACAAACAGTTCTCGAGGCTCCTTCTCTAAGGGAGGCCCCCCTACATAAAGTC[T>C]GTGCACCTCTGCCAGACTGTTGACACTGCTGATGTCCAGCCAGTCCCAGGATGAGATCTG-3'
Protein context (NP_002684.1, residues 351-371): SSVNSLAEVH[Arg361Gly]LYVGGPPLEK

ClinVar aggregate classification (germline): Uncertain significance (1 of 4 stars; one submission).

Conditions:
Progressive sclerosing poliodystrophy (MTDPS4A). Also called: ALPERS PROGRESSIVE INFANTILE POLIODYSTROPHY; NEURONAL DEGENERATION OF CHILDHOOD WITH LIVER DISEASE, PROGRESSIVE; Alpers Syndrome; ALPERS DIFFUSE DEGENERATION OF CEREBRAL GRAY MATTER WITH HEPATIC CIRRHOSIS; Alpers-Huttenlocher Syndrome; Mitochondrial DNA depletion syndrome 4A (Alpers type). Identifiers: Orphanet 726, MedGen C0205710, MONDO:0008758, OMIM 203700.

gnomAD v4.1: 1 of 1,614,148 alleles (0.000062%); no homozygotes.

Submission:

Labcorp Genetics (formerly Invitae), Labcorp
Classification: Uncertain significance for Progressive sclerosing poliodystrophy. Last evaluated: 2024-09-13. Review status: criteria provided, single submitter. Criteria: Invitae Variant Classification Sherloc (09022015). Collection method: clinical testing. Allele origin: germline.
Comment: This sequence change replaces arginine, which is basic and polar, with glycine, which is neutral and non-polar, at codon 361 of the POLG protein (p.Arg361Gly). This variant is not present in population databases (gnomAD no frequency). This variant has not been reported in the literature in individuals affected with POLG-related conditions. Invitae Evidence Modeling of protein sequence and biophysical properties (such as structural, functional, and spatial information, amino acid conservation, physicochemical variation, residue mobility, and thermodynamic stability) indicates that this missense variant is not expected to disrupt POLG protein function with a negative predictive value of 95%. In summary, the available evidence is currently insufficient to determine the role of this variant in disease. Therefore, it has been classified as a Variant of Uncertain Significance.